The following is an entry in ClinVar:

ClinVar aggregate classification (germline): Uncertain significance (1 of 4 stars; one submission).

gnomAD v4.1: 6 of 1,614,018 alleles (0.00037%); highest among the groups gnomAD compares: African/African-American, 0.004%; no homozygotes.

Submission:

Labcorp Genetics (formerly Invitae), Labcorp
Classification: Uncertain significance. Last evaluated: 2024-10-30. Review status: criteria provided, single submitter. Criteria: Invitae Variant Classification Sherloc (09022015). Collection method: clinical testing. Allele origin: germline.
Comment: This sequence change replaces cysteine, which is neutral and slightly polar, with phenylalanine, which is neutral and non-polar, at codon 227 of the GHSR protein (p.Cys227Phe). This variant is not present in population databases (gnomAD no frequency). This variant has not been reported in the literature in individuals affected with GHSR-related conditions. Invitae Evidence Modeling of protein sequence and biophysical properties (such as structural, functional, and spatial information, amino acid conservation, physicochemical variation, residue mobility, and thermodynamic stability) indicates that this missense variant is not expected to disrupt GHSR protein function with a negative predictive value of 80%. In summary, the available evidence is currently insufficient to determine the role of this variant in disease. Therefore, it has been classified as a Variant of Uncertain Significance.

NM_198407.2(GHSR):c.680G>T (p.Cys227Phe)

Gene: GHSR (growth hormone secretagogue receptor; minus strand). Cytogenetic location: 3q26.31.
Variant type: single nucleotide variant.
Coding change: c.680G>T on transcript NM_198407.2 (MANE Select); coding-DNA position 680, G replaced by T.
Protein change: p.Cys227Phe; replaces cysteine 227 with phenylalanine.
Molecular consequence: missense variant.
Genome position (GRCh38, 1-based): chr3:172,447,734, C>A on the plus strand (G>T on the coding strand, the complement: GHSR is on the minus strand). VCF-style: chr3-172447734-C-A. GRCh37 (hg19) VCF-style: chr3-172165524-C-A.
Other names: c.680G>T, p.Cys227Phe (NM_004122.2); short protein forms C227F.
Identifiers: ClinVar variation 3690415 (VCV003690415.2).